The following is an entry in ClinVar:

ClinVar aggregate classification (germline): Conflicting classifications of pathogenicity. Review status: criteria provided, conflicting classifications (1 of 4 stars). 2 submissions from 2 submitters: Uncertain significance (1); Likely benign (1). Last evaluated 2026-01-09.

gnomAD v4.1: 65 of 1,614,010 alleles (0.004%); highest among the groups gnomAD compares: Middle Eastern, 0.016%; no homozygotes.

Submissions (2):

Labcorp Genetics (formerly Invitae), Labcorp
Classification: Uncertain significance. Last evaluated: 2026-01-09. Review status: criteria provided, single submitter. Criteria: Invitae Variant Classification Sherloc (09022015). Collection method: clinical testing. Allele origin: germline.
Comment: This sequence change replaces arginine, which is basic and polar, with glutamine, which is neutral and polar, at codon 1015 of the EGF protein (p.Arg1015Gln). This variant is present in population databases (rs375755038, gnomAD 0.03%). This variant has not been reported in the literature in individuals affected with EGF-related conditions. An algorithm developed to predict the effect of missense changes on protein structure and function outputs the following: PolyPhen-2: "Benign". The glutamine amino acid residue is found in multiple mammalian species, which suggests that this missense change does not adversely affect protein function. In summary, the available evidence is currently insufficient to determine the role of this variant in disease. Therefore, it has been classified as a Variant of Uncertain Significance.

Blueprint Genetics
Classification: Likely benign. Last evaluated: 2024-04-15. Review status: criteria provided, single submitter. Criteria: ACMG Guidelines, 2015. Collection method: clinical testing. Allele origin: germline.

NM_001963.6(EGF):c.3044G>A (p.Arg1015Gln)

Gene: EGF (epidermal growth factor; plus strand). Cytogenetic location: 4q25.
Variant type: single nucleotide variant.
Coding change: c.3044G>A on transcript NM_001963.6 (MANE Select); coding-DNA position 3044, G replaced by A.
Protein change: p.Arg1015Gln; replaces arginine 1015 with glutamine.
Molecular consequence: missense variant.
Genome position (GRCh38, 1-based): chr4:109,999,717, G>A. VCF-style: chr4-109999717-G-A. GRCh37 (hg19) VCF-style: chr4-110920873-G-A.
Other names: c.2921G>A, p.Arg974Gln (NM_001178130.3); c.2918G>A, p.Arg973Gln (NM_001178131.3); c.2675G>A, p.Arg892Gln (NM_001357021.2); short protein forms R973Q, R892Q, R974Q, R1015Q.
Identifiers: ClinVar variation 4751566 (VCV004751566.2).